The following is an entry in ClinVar:

ClinVar aggregate classification (germline): Uncertain significance (1 of 4 stars; one submission).

Conditions:
SEMA3D-related disorder. Also called: SEMA3D-related condition.

gnomAD v4.1: 13 of 1,611,678 alleles (0.00081%); highest among the groups gnomAD compares: South Asian, 0.0088%; no homozygotes.

Submission:

PreventionGenetics, part of Exact Sciences
Classification: Uncertain significance for SEMA3D-related condition. Last evaluated: 2026-07-21. Review status: criteria provided, single submitter. Criteria: ACMG Guidelines, 2015. Collection method: clinical testing. Allele origin: germline.
Comment: The SEMA3D c.1624G>T variant is predicted to result in the amino acid substitution p.Ala542Ser. To our knowledge, this variant has not been reported in the literature. This variant is reported in 0.0062% of alleles in individuals of African descent in gnomAD. At this time, the clinical significance of this variant is uncertain due to the absence of conclusive functional and genetic evidence.

NM_001384900.1(SEMA3D):c.1624G>T (p.Ala542Ser)

Gene: SEMA3D (semaphorin 3D; minus strand). Cytogenetic location: 7q21.11.
Variant type: single nucleotide variant.
Coding change: c.1624G>T on transcript NM_001384900.1 (MANE Select); coding-DNA position 1624, G replaced by T.
Protein change: p.Ala542Ser; replaces alanine 542 with serine.
Molecular consequence: missense variant.
Genome position (GRCh38, 1-based): chr7:85,015,138, C>A on the plus strand (G>T on the coding strand, the complement: SEMA3D is on the minus strand). VCF-style: chr7-85015138-C-A. GRCh37 (hg19) VCF-style: chr7-84644454-C-A.
Other names: c.1624G>T, p.Ala542Ser (NM_001384901.1, NM_001384902.1, NM_001384903.1 and 1 more transcripts); short protein forms A542S.
Identifiers: ClinVar variation 4988091 (VCV004988091.1).
Genomic context (GRCh38, chr7:85,015,138, plus strand): 5'-ATCGAGAGCATGCATTTCCATCCCAGGCACAGTAGGGGTCTCTGGCAAGACAACAGTCTG[C>A]GCAAGCTTTCCCATAAGTGTCGCATCTGTGCAAGGAGAGCTGAACCAATCCATCTCGGGA-3'
Protein context (NP_001371829.1, residues 532-552): HRCDTYGKAC[Ala542Ser]DCCLARDPYC